The following is an entry in ClinVar:

ClinVar aggregate classification (germline): Likely benign (1 of 4 stars; one submission).

Conditions:
Rhizomelic chondrodysplasia punctata type 3 (RCDP3). Also called: ALKYLDIHYDROXYACETONEPHOSPHATE SYNTHASE DEFICIENCY; Alkylglycerone Phosphate Synthase (AGPS) deficiency. Identifiers: Orphanet 177, Orphanet 309803, MedGen C1838612, MONDO:0010823, OMIM 600121. Disease mechanism: loss of function.

Allele frequency attached by ClinVar (database versions not stated): gnomAD 0.00263 and 0.00286; 1000 Genomes Project 0.00300; 1000 Genomes Project 30x 0.00312; TOPMed 0.00336.

Submission:

Illumina Laboratory Services, Illumina
Classification: Likely benign for Rhizomelic chondrodysplasia punctata type 3. Last evaluated: 2018-01-12. Review status: criteria provided, single submitter. Criteria: ICSL Variant Classification Criteria 13 December 2019. Collection method: clinical testing. Allele origin: germline.
Comment: This variant was observed in the ICSL laboratory as part of a predisposition screen in an ostensibly healthy population. It had not been previously curated by ICSL or reported in the Human Gene Mutation Database (HGMD: prior to June 1st, 2018), and was therefore a candidate for classification through an automated scoring system. Utilizing variant allele frequency, disease prevalence and penetrance estimates, and inheritance mode, an automated score was calculated to assess if this variant is too frequent to cause the disease. Based on the score and internal cut-off values, a variant classified as likely benign is not then subjected to further curation. The score for this variant resulted in a classification of likely benign for this disease.

NM_003659.4(AGPS):c.*5124C>T

Gene: AGPS (alkylglycerone phosphate synthase; plus strand). Cytogenetic location: 2q31.2.
Variant type: single nucleotide variant.
Coding change: c.*5124C>T on transcript NM_003659.4 (MANE Select); 5124 bases downstream of the stop codon, C replaced by T.
Molecular consequence: 3 prime UTR variant.
Genome position (GRCh38, 1-based): chr2:177,543,319, C>T. VCF-style: chr2-177543319-C-T. GRCh37 (hg19) VCF-style: chr2-178408047-C-T.
Identifiers: ClinVar variation 332604 (VCV000332604.5), dbSNP rs145417594, ClinGen allele CA10611543.